The following is an entry in ClinVar:

NM_002971.6(SATB1):c.2137G>T (p.Glu713Ter)

Gene: SATB1 (SATB homeobox 1; minus strand). Cytogenetic location: 3p24.3.
Variant type: single nucleotide variant.
Coding change: c.2137G>T on transcript NM_002971.6 (MANE Select); coding-DNA position 2137, G replaced by T.
Protein change: p.Glu713Ter; replaces glutamic acid 713 with a stop codon.
Molecular consequence: nonsense.
Genome position (GRCh38, 1-based): chr3:18,349,325, C>A on the plus strand (G>T on the coding strand, the complement: SATB1 is on the minus strand). VCF-style: chr3-18349325-C-A. GRCh37 (hg19) VCF-style: chr3-18390817-C-A.
Other names: c.2137G>T, p.Glu713Ter (NM_001131010.4, NM_001322872.2, NM_001322873.2 and 2 more transcripts); c.2233G>T, p.Glu745Ter (NM_001195470.3, NM_001322871.2); c.1921G>T, p.Glu641Ter (NM_001322876.2); short protein forms E641*, E713*, E745*.
Identifiers: ClinVar variation 2500309 (VCV002500309.1), dbSNP rs2470392910, ClinGen allele CA351853047.
Genomic context (GRCh38, chr3:18,349,325, plus strand): 5'-GGACACTCTCTTCCAAATCCTTCAGCAGCTCCTCTTCTTTATATTCTGCCACATCGACCT[C>A]TAAACCGGAATTGTCCTTCAGTTTGCCGTGGTGCTTGAGATAGTACCGCTGGTTCTGAAA-3'

ClinVar aggregate classification (germline): Likely pathogenic (1 of 4 stars; one submission).

Conditions:
Kohlschutter-Tonz syndrome-like. Also called: DEN HOED-DE BOER-VOISIN SYNDROME. Identifiers: MedGen C5543202, MONDO:0030990, OMIM 619229.

Submission:

Institute of Human Genetics, University of Leipzig Medical Center
Classification: Likely pathogenic for Kohlschutter-Tonz syndrome-like. Last evaluated: 2023-03-22. Review status: criteria provided, single submitter. Criteria: ACMG Guidelines, 2015. Collection method: clinical testing. Allele origin: de novo. Affected: yes.
Comment: This variant was identified as de novo (maternity and paternity confirmed)._x000D_ Criteria applied: PVS1_STR, PS2_MOD, PM2_SUP